The following is an entry in ClinVar:

NM_004415.4(DSP):c.3838T>C (p.Cys1280Arg)

Gene: DSP (desmoplakin; plus strand). Cytogenetic location: 6p24.3.
Variant type: single nucleotide variant.
Coding change: c.3838T>C on transcript NM_004415.4 (MANE Select); coding-DNA position 3838, T replaced by C.
Protein change: p.Cys1280Arg; replaces cysteine 1280 with arginine.
Molecular consequence: missense variant. On other transcripts: intron variant (1).
Genome position (GRCh38, 1-based): chr6:7,580,028, T>C. VCF-style: chr6-7580028-T-C. GRCh37 (hg19) VCF-style: chr6-7580261-T-C.
Other names: c.3838T>C (NM_004415.2); c.3838T>C, p.Cys1280Arg (NM_001319034.2); c.3582+256T>C (NM_001008844.3); short protein forms C1280R.
Identifiers: ClinVar variation 1375382 (VCV001375382.7), dbSNP rs1473719755, ClinGen allele CA362684964.

ClinVar aggregate classification (germline): Uncertain significance. Review status: criteria provided, multiple submitters, no conflicts (2 of 4 stars). 2 submissions from 2 submitters: Uncertain significance (2). Last evaluated 2024-02-13.

Conditions:
Cardiovascular phenotype. Identifiers: MedGen CN230736.
Arrhythmogenic cardiomyopathy with wooly hair and keratoderma. Also called: PALMOPLANTAR KERATODERMA WITH LEFT VENTRICULAR CARDIOMYOPATHY AND WOOLLY HAIR; Arrhythmogenic cardiomyopathy with woolly hair and keratoderma; Dilated cardiomyopathy with woolly hair and keratoderma; Carvajal syndrome. Identifiers: Orphanet 65282, MedGen C1854063, MONDO:0011581, OMIM 605676.
Arrhythmogenic right ventricular dysplasia 8 (ARVD8). Also called: Arrhythmogenic Right Ventricular Dysplasia/Cardiomyopathy 8; ARRHYTHMOGENIC RIGHT VENTRICULAR DYSPLASIA, FAMILIAL, 8; ARRHYTHMOGENIC RIGHT VENTRICULAR CARDIOMYOPATHY 8. Identifiers: MedGen C1843896, MONDO:0011831, OMIM 607450.

Allele frequency attached by ClinVar (database versions not stated): gnomAD exomes below 0.00001; TOPMed below 0.00001; gnomAD 0.00001.
gnomAD v4.1: 3 of 1,613,788 alleles (0.00019%); highest among the groups gnomAD compares: African/African-American, 0.0027%; no homozygotes.

Submissions (2):

Ambry Genetics
Classification: Uncertain significance for Cardiovascular phenotype. Last evaluated: 2024-02-13. Review status: criteria provided, single submitter. Criteria: Ambry Variant Classification Scheme 2023. Collection method: clinical testing. Allele origin: germline.
Comment: The p.C1280R variant (also known as c.3838T>C), located in coding exon 23 of the DSP gene, results from a T to C substitution at nucleotide position 3838. The cysteine at codon 1280 is replaced by arginine, an amino acid with highly dissimilar properties. This amino acid position is conserved. In addition, this alteration is predicted to be tolerated by in silico analysis. Based on the available evidence, the clinical significance of this alteration remains unclear.

Labcorp Genetics (formerly Invitae), Labcorp
Classification: Uncertain significance for Arrhythmogenic cardiomyopathy with wooly hair and keratoderma; Arrhythmogenic right ventricular dysplasia 8. Last evaluated: 2023-06-03. Review status: criteria provided, single submitter. Criteria: Invitae Variant Classification Sherloc (09022015). Collection method: clinical testing. Allele origin: germline.
Comment: In summary, the available evidence is currently insufficient to determine the role of this variant in disease. Therefore, it has been classified as a Variant of Uncertain Significance. An algorithm developed to predict the effect of missense changes on protein structure and function (PolyPhen-2) suggests that this variant is likely to be tolerated. ClinVar contains an entry for this variant (Variation ID: 1375382). This variant has not been reported in the literature in individuals affected with DSP-related conditions. This variant is not present in population databases (gnomAD no frequency). This sequence change replaces cysteine, which is neutral and slightly polar, with arginine, which is basic and polar, at codon 1280 of the DSP protein (p.Cys1280Arg).